The following is an entry in ClinVar:

NM_015459.5(ATL3):c.589A>G (p.Met197Val)

Genes: ATL3 (atlastin GTPase 3; minus strand), LNCROPM (lncRNA regulator of PLAAT3 mediated phospholipid metabolism; plus strand). Cytogenetic location: 11q13.1.
Variant type: single nucleotide variant.
Coding change: c.589A>G on transcript NM_015459.5 (MANE Select); coding-DNA position 589, A replaced by G.
Protein change: p.Met197Val; replaces methionine 197 with valine.
Molecular consequence: missense variant.
Genome position (GRCh38, 1-based): chr11:63,646,536, T>C on the plus strand (A>G on the coding strand, the complement: ATL3 is on the minus strand). VCF-style: chr11-63646536-T-C. GRCh37 (hg19) VCF-style: chr11-63414008-T-C.
Other names: c.535A>G, p.Met179Val (NM_001290048.2); short protein forms M179V, M197V.
Identifiers: ClinVar variation 3371878 (VCV003371878.1).

ClinVar aggregate classification (germline): Uncertain significance (1 of 4 stars; one submission).

Submission:

GeneDx
Classification: Uncertain significance. Last evaluated: 2024-04-07. Review status: criteria provided, single submitter. Criteria: GeneDx Variant Classification Process June 2021. Collection method: clinical testing. Allele origin: germline. Affected: yes.
Comment: De novo variant with confirmed parentage in a patient in published literature from a cohort of individuals with developmental disorders; however, detailed clinical information was not provided (PMID: 33057194); Not observed at significant frequency in large population cohorts (gnomAD); In silico analysis supports that this missense variant has a deleterious effect on protein structure/function; This variant is associated with the following publications: (PMID: 35982159, 33057194)